The following is an entry in ClinVar:

ClinVar aggregate classification (germline): Pathogenic (1 of 4 stars; one submission).

Conditions:
Hereditary cancer-predisposing syndrome. Also called: Neoplastic Syndromes, Hereditary; Tumor predisposition; Hereditary neoplastic syndrome; Hereditary Cancer Syndrome. Identifiers: Orphanet 140162, MedGen C0027672, MeSH D009386, MONDO:0015356.

Submission:

Ambry Genetics
Classification: Pathogenic for Hereditary cancer-predisposing syndrome. Last evaluated: 2019-09-24. Review status: criteria provided, single submitter. Criteria: Ambry Variant Classification Scheme 2023. Collection method: clinical testing. Allele origin: germline.
Comment: The c.3711_3712delAC pathogenic mutation, located in coding exon 9 of the BRCA1 gene, results from a deletion of two nucleotides at nucleotide positions 3711 to 3712, causing a translational frameshift with a predicted alternate stop codon (p.P1238Ffs*5). This alteration is expected to result in loss of function by premature protein truncation or nonsense-mediated mRNA decay. As such, this alteration is interpreted as a disease-causing mutation.

NM_007294.4(BRCA1):c.3711_3712del (p.Pro1238fs)

Genes: BRCA1 (BRCA1 DNA repair associated; minus strand), LOC126862571 (BRD4-independent group 4 enhancer GRCh37_chr17:41243136-41244335; plus strand). Cytogenetic location: 17q21.31.
Variant type: Deletion.
Coding change: c.3711_3712del on transcript NM_007294.4 (MANE Select); coding-DNA positions 3711 to 3712, 2 bases deleted (AC; older notation c.3711_3712delAC).
Protein change: p.Pro1238fs; shifts the reading frame from proline 1238.
Molecular consequence: frameshift variant. On other transcripts: intron variant (135).
Genome position (GRCh38, 1-based): chr17:43,091,819-43,091,820, GT deleted on the plus strand (AC on the coding strand, the reverse complement: BRCA1 is on the minus strand). VCF-style (leftmost placement, unchanged base first): chr17-43091818-GGT-G. GRCh37 (hg19) VCF-style: chr17-41243835-GGT-G.
Other names: c.578-788_578-787del (NM_001408478.1, NM_001408481.1, NM_001408480.1 and 9 more transcripts); c.3501_3502del, p.Pro1168fs (NM_001407889.1, NM_001407900.1, NM_001407902.1 and 13 more transcripts); c.3498_3499del, p.Pro1167fs (NM_001407899.1, NM_001407895.1, NM_001407896.1 and 9 more transcripts); c.665-788_665-787del (NM_001408440.1, NM_001408428.1, NM_001408436.1 and 12 more transcripts); c.662-788_662-787del (NM_001408434.1, NM_001408450.1, NM_001408446.1 and 6 more transcripts); c.785-788_785-787del (NM_001408398.1, NM_001407992.1, NM_001408397.1 and 13 more transcripts); c.3588_3589del, p.Pro1197fs (NM_001407919.1, NM_001407937.1, NM_001407938.1 and 19 more transcripts); c.3447_3448del, p.Pro1150fs (NM_001407920.1, NM_001407921.1, NM_001407922.1 and 9 more transcripts); and 41 more; short protein forms P1191fs, P1238fs, P1070fs, P1110fs, P1149fs, P1190fs, P942fs, P1126fs.
Identifiers: ClinVar variation 824110 (VCV000824110.5), dbSNP rs1597861891, ClinGen allele CA915950121.
Genomic context (GRCh38, chr17:43,091,818, plus strand): 5'-TCCTCTGTGTTCTTAGACAGACACTCGGTAGCAACGGTGCTATGCCTAGTAGACTGAGAA[GGT>G]ATATTGTTTACTTTACCAAATAACAAGTGTTGGAAGCAGGGAAGCTCTTCATCCTCACTA-3'